The following is an entry in ClinVar:

ClinVar aggregate classification (germline): Uncertain significance (1 of 4 stars; one submission).

Conditions:
Neuronal ceroid lipofuscinosis. Also called: Neuronal Ceroid Lipofuscinoses. Identifiers: Orphanet 216, Orphanet 79263, MedGen C0027877, MONDO:0016295. Disease mechanism: loss of function.

Allele frequency attached by ClinVar (database versions not stated): gnomAD exomes below 0.00001.

Submission:

Labcorp Genetics (formerly Invitae), Labcorp
Classification: Uncertain significance for Neuronal ceroid lipofuscinosis. Last evaluated: 2022-02-04. Review status: criteria provided, single submitter. Criteria: Invitae Variant Classification Sherloc (09022015). Collection method: clinical testing. Allele origin: germline.
Comment: This variant has not been reported in the literature in individuals affected with CTSD-related conditions. In summary, the available evidence is currently insufficient to determine the role of this variant in disease. Therefore, it has been classified as a Variant of Uncertain Significance. Algorithms developed to predict the effect of missense changes on protein structure and function are either unavailable or do not agree on the potential impact of this missense change (SIFT: "Tolerated"; PolyPhen-2: "Possibly Damaging"; Align-GVGD: "Class C0"). ClinVar contains an entry for this variant (Variation ID: 568472). This variant is not present in population databases (gnomAD no frequency). This sequence change replaces isoleucine, which is neutral and non-polar, with valine, which is neutral and non-polar, at codon 85 of the CTSD protein (p.Ile85Val).

NM_001909.5(CTSD):c.253A>G (p.Ile85Val)

Gene: CTSD (cathepsin D; minus strand). Cytogenetic location: 11p15.5.
Variant type: single nucleotide variant.
Coding change: c.253A>G on transcript NM_001909.5 (MANE Select); coding-DNA position 253, A replaced by G.
Protein change: p.Ile85Val; replaces isoleucine 85 with valine.
Molecular consequence: missense variant.
Genome position (GRCh38, 1-based): chr11:1,759,615, T>C on the plus strand (A>G on the coding strand, the complement: CTSD is on the minus strand). VCF-style: chr11-1759615-T-C. GRCh37 (hg19) VCF-style: chr11-1780845-T-C.
Other names: short protein forms I85V.
Identifiers: ClinVar variation 568472 (VCV000568472.8), dbSNP rs1565022412, ClinGen allele CA379098522.
Genomic context (GRCh38, chr11:1,759,615, plus strand): 5'-CCCACAGGTTGGAGGAGCCCGTGTCGAAGACGACTGTGAAGCACTGGGGGGGCGTCCCGA[T>C]GCCAATCTCCCCGTAGTACTGGGCCTGGCAGGGGACAGGGTCCGTCAGGGATGGGAGAGG-3'
Protein context (NP_001900.1, residues 75-95): MDAQYYGEIG[Ile85Val]GTPPQCFTVV